The following is an entry in ClinVar:

ClinVar aggregate classification (germline): Uncertain significance (1 of 4 stars; one submission).

Conditions:
Weaver syndrome (WVS). Also called: Weaver Smith syndrome; Overgrowth syndrome with accelerated skeletal maturation, unusual facies, and camptodactyly. Identifiers: Orphanet 3447, MedGen C0265210, MONDO:0010193, OMIM 277590.

Submission:

Labcorp Genetics (formerly Invitae), Labcorp
Classification: Uncertain significance for Weaver syndrome. Last evaluated: 2024-10-23. Review status: criteria provided, single submitter. Criteria: Invitae Variant Classification Sherloc (09022015). Collection method: clinical testing. Allele origin: germline.
Comment: This sequence change replaces lysine, which is basic and polar, with asparagine, which is neutral and polar, at codon 740 of the EZH2 protein (p.Lys740Asn). This variant is not present in population databases (gnomAD no frequency). This variant has not been reported in the literature in individuals affected with EZH2-related conditions. Invitae Evidence Modeling of protein sequence and biophysical properties (such as structural, functional, and spatial information, amino acid conservation, physicochemical variation, residue mobility, and thermodynamic stability) indicates that this missense variant is expected to disrupt EZH2 protein function with a positive predictive value of 95%. In summary, the available evidence is currently insufficient to determine the role of this variant in disease. Therefore, it has been classified as a Variant of Uncertain Significance.

NM_004456.5(EZH2):c.2220G>C (p.Lys740Asn)

Gene: EZH2 (enhancer of zeste 2 polycomb repressive complex 2 subunit; minus strand). Cytogenetic location: 7q36.1.
Variant type: single nucleotide variant.
Coding change: c.2220G>C on transcript NM_004456.5 (MANE Select); coding-DNA position 2220, G replaced by C.
Protein change: p.Lys740Asn; replaces lysine 740 with asparagine.
Molecular consequence: missense variant.
Genome position (GRCh38, 1-based): chr7:148,807,682, C>G on the plus strand (G>C on the coding strand, the complement: EZH2 is on the minus strand). VCF-style: chr7-148807682-C-G. GRCh37 (hg19) VCF-style: chr7-148504774-C-G.
Other names: c.2205G>C, p.Lys735Asn (NM_001203247.2); c.2178G>C, p.Lys726Asn (NM_001203248.2); c.2052G>C, p.Lys684Asn (NM_001203249.2); c.2088G>C, p.Lys696Asn (NM_152998.3); short protein forms K684N, K735N, K696N, K726N, K740N.
Identifiers: ClinVar variation 2800912 (VCV002800912.3), dbSNP rs2536197301, ClinGen allele CA369711811.